The following is an entry in ClinVar:

NM_000455.5(STK11):c.1253G>A (p.Cys418Tyr)

Gene: STK11 (serine/threonine kinase 11; plus strand). Cytogenetic location: 19p13.3.
Variant type: single nucleotide variant.
Coding change: c.1253G>A on transcript NM_000455.5 (MANE Select); coding-DNA position 1253, G replaced by A.
Protein change: p.Cys418Tyr; replaces cysteine 418 with tyrosine.
Molecular consequence: missense variant.
Genome position (GRCh38, 1-based): chr19:1,226,598, G>A. VCF-style: chr19-1226598-G-A. GRCh37 (hg19) VCF-style: chr19-1226597-G-A.
Other names: short protein forms C418Y.
Identifiers: ClinVar variation 657657 (VCV000657657.7), dbSNP rs878853986, ClinGen allele CA402954029.

ClinVar aggregate classification (germline): Uncertain significance. Review status: criteria provided, multiple submitters, no conflicts (2 of 4 stars). 2 submissions from 2 submitters: Uncertain significance (2). Last evaluated 2026-06-24.

Conditions:
Hereditary cancer-predisposing syndrome. Also called: Neoplastic Syndromes, Hereditary; Hereditary Cancer Syndrome; Hereditary neoplastic syndrome; Tumor predisposition. Identifiers: Orphanet 140162, MedGen C0027672, MeSH D009386, MONDO:0015356.
Peutz-Jeghers syndrome (PJS). Also called: POLYPOSIS, HAMARTOMATOUS INTESTINAL; POLYPS-AND-SPOTS SYNDROME; Peutz-Jeghers polyposis; Periorificial lentiginosis syndrome. Identifiers: Orphanet 2869, MedGen C0031269, MeSH D010580, MONDO:0008280, OMIM 175200.

gnomAD v4.1: 1 of 1,564,394 alleles (0.000064%); highest among the groups gnomAD compares: East Asian, 0.0024%; no homozygotes.

Submissions (2):

Ambry Genetics
Classification: Uncertain significance for Hereditary cancer-predisposing syndrome. Last evaluated: 2026-06-24. Review status: criteria provided, single submitter. Criteria: Ambry Variant Classification Scheme 2023. Collection method: clinical testing. Allele origin: germline.
Comment: The p.C418Y variant (also known as c.1253G>A), located in coding exon 9 of the STK11 gene, results from a G to A substitution at nucleotide position 1253. The cysteine at codon 418 is replaced by tyrosine, an amino acid with highly dissimilar properties. This amino acid position is conserved. In addition, this alteration is predicted to be tolerated by in silico analysis. Based on the available evidence, the clinical significance of this variant remains unclear.

Labcorp Genetics (formerly Invitae), Labcorp
Classification: Uncertain significance for Peutz-Jeghers syndrome. Last evaluated: 2022-07-26. Review status: criteria provided, single submitter. Criteria: Invitae Variant Classification Sherloc (09022015). Collection method: clinical testing. Allele origin: germline.
Comment: This sequence change replaces cysteine, which is neutral and slightly polar, with tyrosine, which is neutral and polar, at codon 418 of the STK11 protein (p.Cys418Tyr). This variant is not present in population databases (gnomAD no frequency). This variant has not been reported in the literature in individuals affected with STK11-related conditions. ClinVar contains an entry for this variant (Variation ID: 657657). Advanced modeling of protein sequence and biophysical properties (such as structural, functional, and spatial information, amino acid conservation, physicochemical variation, residue mobility, and thermodynamic stability) performed at Invitae indicates that this missense variant is not expected to disrupt STK11 protein function. In summary, the available evidence is currently insufficient to determine the role of this variant in disease. Therefore, it has been classified as a Variant of Uncertain Significance.